The following is an entry in ClinVar:

NM_000359.3(TGM1):c.1339del (p.Asp447fs)

Gene: TGM1 (transglutaminase 1; minus strand). Cytogenetic location: 14q12.
Variant type: Deletion.
Coding change: c.1339del on transcript NM_000359.3 (MANE Select); coding-DNA position 1339, one base deleted (G; older notation c.1339delG).
Protein change: p.Asp447fs; shifts the reading frame from aspartic acid 447.
Molecular consequence: frameshift variant.
Genome position (GRCh38, 1-based): chr14:24,258,348, C deleted on the plus strand (G on the coding strand, the reverse complement: TGM1 is on the minus strand); the first of 2 consecutive C bases (chr14:24,258,348-24,258,349); deleting either gives the same sequence. VCF-style (leftmost placement, unchanged base first): chr14-24258347-TC-T. GRCh37 (hg19) VCF-style: chr14-24727553-TC-T.
Other names: short protein forms D447fs.
Identifiers: ClinVar variation 5014176 (VCV005014176.1).
Genomic context (GRCh38, chr14:24,258,347, plus strand): 5'-CTGCTAGTCTCTTGGGGTGTGGCATCCACCACCTGCCACCCATCAAAGCCCGAGGGCAGA[TC>T]CGGCCTCTTCATCCAGCAGTCGTTCCACACATGGAAGTTCCTGGATGGACATGGAGGAGG-3'

ClinVar aggregate classification (germline): Pathogenic (1 of 4 stars; one submission).

Conditions:
Autosomal recessive congenital ichthyosis 1 (LI1). Also called: DESQUAMATION OF NEWBORN; ICHTHYOSIS CONGENITA; ICHTHYOSIS CONGENITA II; LAMELLAR EXFOLIATION OF NEWBORN; ICHTHYOSIS, CONGENITAL, AUTOSOMAL RECESSIVE 1, WITH BATHING SUIT DISTRIBUTION; ICHTHYOSIS, CONGENITAL, AUTOSOMAL RECESSIVE 1, WITH OR WITHOUT BATHING SUIT DISTRIBUTION. Identifiers: MedGen C4551630, MONDO:0009441, OMIM 242300.

Submission:

Myriad Genetics, Inc.
Classification: Pathogenic for Autosomal recessive congenital ichthyosis 1. Last evaluated: 2025-03-04. Review status: criteria provided, single submitter. Criteria: Myriad Autosomal Dominant, Autosomal Recessive and X-Linked Classification Criteria (2023). Collection method: clinical testing. Allele origin: unknown.
Comment: NM_000359.2(TGM1):c.1339delG(D447Ifs*41) is expected to be pathogenic in the context of TGM1-related autosomal recessive congenital ichthyosis. This variant is predicted to lead to an abnormal or absent protein product due to the creation of a premature termination codon in TGM1, a gene where loss-of-function variants are known to be pathogenic. Please note: this variant was assessed in the context of healthy population screening.